The following is an entry in ClinVar:

NM_006445.4(PRPF8):c.4434G>C (p.Leu1478=)

Gene: PRPF8 (pre-mRNA processing factor 8; minus strand). Cytogenetic location: 17p13.3.
Variant type: single nucleotide variant.
Coding change: c.4434G>C on transcript NM_006445.4 (MANE Select); coding-DNA position 4434, G replaced by C.
Protein change: p.Leu1478=; no amino-acid change (leucine 1478 retained).
Molecular consequence: synonymous variant.
Genome position (GRCh38, 1-based): chr17:1,661,067, C>G on the plus strand (G>C on the coding strand, the complement: PRPF8 is on the minus strand). VCF-style: chr17-1661067-C-G. GRCh37 (hg19) VCF-style: chr17-1564361-C-G.
Other names: c.4434G>C (NM_006445.3).
Identifiers: ClinVar variation 1148651 (VCV001148651.8), dbSNP rs766245358, ClinGen allele CA8271664.

ClinVar aggregate classification (germline): Likely benign. Review status: criteria provided, multiple submitters, no conflicts (2 of 4 stars). 3 submissions from 3 submitters: Likely benign (3). Last evaluated 2026-03-24.

Conditions:
PRPF8-related disorder. Also called: PRPF8-related condition.

Allele frequency attached by ClinVar (database versions not stated): ExAC 0.00002; TOPMed 0.00002.

Submissions (3):

PreventionGenetics, part of Exact Sciences
Classification: Likely benign for PRPF8-related condition. Last evaluated: 2026-03-24. Review status: criteria provided, single submitter. Criteria: ACMG Guidelines, 2015. Collection method: clinical testing. Allele origin: germline.
Comment: This variant is classified as likely benign based on ACMG/AMP sequence variant interpretation guidelines (Richards et al. 2015 PMID: 25741868, with internal and published modifications).

Labcorp Genetics (formerly Invitae), Labcorp
Classification: Likely benign. Last evaluated: 2025-10-13. Review status: criteria provided, single submitter. Criteria: Invitae Variant Classification Sherloc (09022015). Collection method: clinical testing. Allele origin: germline.

Breakthrough Genomics
Classification: Likely benign. Review status: criteria provided, single submitter. Criteria: ACMG Guidelines, 2015. Collection method: not provided. Allele origin: germline. Inheritance: Autosomal dominant inheritance. Affected: yes.